The following is an entry in ClinVar:

ClinVar aggregate classification (germline): Uncertain significance (0 of 4 stars; one submission).

Conditions:
GNAS-related disorder. Identifiers: MedGen CN380105.

gnomAD v4.1: 10 of 1,612,244 alleles (0.00062%); highest among the groups gnomAD compares: African/African-American, 0.0067%; no homozygotes.

Submission:

PreventionGenetics, part of Exact Sciences
Classification: Uncertain significance for GNAS-related condition. Last evaluated: 2024-04-30. Review status: no assertion criteria provided. Collection method: clinical testing. Allele origin: germline.
Comment: The GNAS c.1706G>A variant is predicted to result in the amino acid substitution p.Arg569His. This variant occurs in the pre-coding region of the primary GNAS transcript (NM_000516:c.-36569G>A). To our knowledge, this variant has not been reported in the literature. This variant is reported in 0.0067% of alleles in individuals of African descent in gnomAD. At this time, the clinical significance of this variant is uncertain due to the absence of conclusive functional and genetic evidence.

NM_080425.4(GNAS):c.1893G>A (p.Ser631=)

Gene: GNAS (GNAS complex locus; plus strand). Cytogenetic location: 20q13.32.
Variant type: single nucleotide variant.
Coding change: c.1893G>A on transcript NM_080425.4 (MANE Plus Clinical); coding-DNA position 1893, G replaced by A.
Protein change: p.Ser631=; no amino-acid change (serine 631 retained).
Molecular consequence: synonymous variant. On other transcripts: missense variant (2), intron variant (3).
Genome position (GRCh38, 1-based): chr20:58,855,158, G>A. VCF-style: chr20-58855158-G-A. GRCh37 (hg19) VCF-style: chr20-57430213-G-A.
Other names: c.1706G>A, p.Arg569His (NM_001077490.3, NM_001309883.1); c.1893G>A, p.Ser631= (NM_001410913.1); c.*42+14272G>A (NM_016592.5); c.43+14272G>A (NM_001410912.1); c.-39+13283G>A (NM_001309861.2); short protein forms R569H.
Identifiers: ClinVar variation 3358517 (VCV003358517.1).